The following is an entry in ClinVar:

ClinVar aggregate classification (germline): Uncertain significance (1 of 4 stars; one submission).

Allele frequency attached by ClinVar (database versions not stated): TOPMed 0.00001.
gnomAD v4.1: 10 of 1,557,580 alleles (0.00064%); highest among the groups gnomAD compares: Admixed American, 0.019%; no homozygotes.

Submission:

Labcorp Genetics (formerly Invitae), Labcorp
Classification: Uncertain significance. Last evaluated: 2024-08-20. Review status: criteria provided, single submitter. Criteria: Invitae Variant Classification Sherloc (09022015). Collection method: clinical testing. Allele origin: germline.
Comment: This sequence change replaces valine, which is neutral and non-polar, with leucine, which is neutral and non-polar, at codon 1276 of the RIMS1 protein (p.Val1276Leu). This variant is present in population databases (rs770652754, gnomAD 0.03%). This variant has not been reported in the literature in individuals affected with RIMS1-related conditions. ClinVar contains an entry for this variant (Variation ID: 1480020). An algorithm developed to predict the effect of missense changes on protein structure and function (PolyPhen-2) suggests that this variant is likely to be tolerated. In summary, the available evidence is currently insufficient to determine the role of this variant in disease. Therefore, it has been classified as a Variant of Uncertain Significance.

NM_014989.7(RIMS1):c.3826G>C (p.Val1276Leu)

Gene: RIMS1 (regulating synaptic membrane exocytosis 1; plus strand). Cytogenetic location: 6q13.
Variant type: single nucleotide variant.
Coding change: c.3826G>C on transcript NM_014989.7 (MANE Select); coding-DNA position 3826, G replaced by C.
Protein change: p.Val1276Leu; replaces valine 1276 with leucine.
Molecular consequence: missense variant.
Genome position (GRCh38, 1-based): chr6:72,292,022, G>C. VCF-style: chr6-72292022-G-C. GRCh37 (hg19) VCF-style: chr6-73001725-G-C.
Other names: c.1786G>C, p.Val596Leu (NM_001168407.2, NM_001350422.2); c.1717G>C, p.Val573Leu (NM_001168408.2, NM_001350414.2, NM_001350430.2 and 2 more transcripts); c.1546G>C, p.Val516Leu (NM_001168409.2, NM_001350469.2); c.1744G>C, p.Val582Leu (NM_001168410.2); c.1870G>C, p.Val624Leu (NM_001350415.2, NM_001350445.2); c.1789G>C, p.Val597Leu (NM_001350416.2, NM_001350417.2, NM_001350448.2); c.1792G>C, p.Val598Leu (NM_001350418.2); c.1561G>C, p.Val521Leu (NM_001350419.2, NM_001350423.2, NM_001350444.2); and 31 more; short protein forms V1276L, V440L, V465L, V546L, V576L, V596L, V597L, V598L.
Identifiers: ClinVar variation 1480020 (VCV001480020.6), dbSNP rs770652754, ClinGen allele CA3886364.
Genomic context (GRCh38, chr6:72,292,022, plus strand): 5'-TCTCCTCCAGCAGACACATCGTTCAGCAGTCGCAGGGGAAGACAGCTCCCACAAGTGCCA[G>C]TGAGAAGCGGCAGTATAGAACAAGGTATCCGATAAAGAGAGATCATTGTCCAAAAATCTT-3'
Protein context (NP_055804.2, residues 1266-1286): RRGRQLPQVP[Val1276Leu]RSGSIEQASL